The following continues an entry in ClinVar:

NM_000051.4(ATM):c.6975G>C (p.Ala2325=)

ClinVar aggregate classification (germline): Uncertain significance. Uncertain significance (12).

Submissions 10 to 15 of 15:

Sema4
Classification: Uncertain significance for Hereditary cancer-predisposing syndrome. Last evaluated: 2021-10-26. Review status: criteria provided, single submitter. Criteria: Sema4 Curation Guidelines. Collection method: curation. Allele origin: germline.
Comment: To the best of our knowledge, the ATM c.6975G>C (p.A2325=) variant has not been reported in individuals with ATM-related disease, but it has been reported in a healthy control (PMID: 28779002). It was observed in 1/113626 chromosomes in the European (non-Finnish) population according to the Genome Aggregation Database (PMID: 32461654). This variant has been reported in ClinVar (Variation ID: 233023). The variant is located at the last nucleotide of exon 47 and may influence splicing. In silico tools suggest the variant may disrupt normal splicing, however these predictions have not been confirmed by functional studies. Based on the current evidence available, this variant is interpreted as a variant of uncertain significance.

ARUP Laboratories, Molecular Genetics and Genomics, ARUP Laboratories
Classification: Uncertain significance. Last evaluated: 2019-12-18. Review status: criteria provided, single submitter. Criteria: ARUP Molecular Germline Variant Investigation Process. Collection method: clinical testing. Allele origin: germline.
Comment: The ATM c.6975G>C; p.Ala2325= variant (rs556778314), to our knowledge, is not reported in the medical literature but is reported in ClinVar (Variation ID: 233023). This variant is only observed on one allele in the Genome Aggregation Database, indicating it is not a common polymorphism. This is a synonymous variant occurring in the last nucleotide of exon 47, which is part of the consensus splice site for this exon. Computational analyses (Alamut v.2.11) predict that this variant may impact splicing by weakening the nearby canonical donor splice site. However, given the lack of clinical and functional data, the significance of this variant is uncertain at this time.

Fulgent Genetics
Classification: Uncertain significance for Familial cancer of breast; Ataxia-telangiectasia syndrome. Last evaluated: 2018-10-31. Review status: criteria provided, single submitter. Criteria: ACMG Guidelines, 2015. Collection method: clinical testing. Allele origin: unknown.

Natera, Inc.
Classification: Uncertain significance for Ataxia-telangiectasia. Last evaluated: 2020-01-24. Review status: no assertion criteria provided. Collection method: clinical testing. Allele origin: germline. Not counted in ClinVar's aggregate classification.

True Health Diagnostics
Classification: Uncertain significance for Hereditary cancer-predisposing syndrome. Last evaluated: 2017-08-22. Review status: no assertion criteria provided. Collection method: clinical testing. Allele origin: germline. Not counted in ClinVar's aggregate classification.

Department of Pathology and Laboratory Medicine, Sinai Health System
Classification: Uncertain significance for Malignant tumor of breast. Review status: no assertion criteria provided. Collection method: clinical testing. Allele origin: unknown. Affected: yes. Observed: 1 variant allele. Study: The Canadian Open Genetics Repository (COGR). Not counted in ClinVar's aggregate classification.
Comment: The ATM p.Ala2325= variant has not been reported in the literature in individuals with ATM-related cancers, but it was identified in in one case of Ewings sarcoma (Crompton 20149). The variant was also identified in dbSNP (ID: rs556778314) as â€šÃ„ÃºWith Uncertain significance alleleâ€šÃ„Ã¹, ClinVar (as uncertain significance by Ambry Genetics, GeneDx, Invitae, Color, and True Health Diagnostics), Clinvitae (3x), and Cosmic (in Ewings sarcoma). The variant was not identified in COGR, MutDB, LOVD 3.0, or ATM-LOVD database. The variant was identified in control databases in 1 of 246072 chromosomes at a frequency of 0.000004 (Genome Aggregation Database Feb 27, 2017). The variant was observed in the following populations: European (Non-Finnish) in 1 of 111558 chromosomes (freq: 0.000009), but not in the African, Other, Latino, Ashkenazi Jewish, East Asian, Finnish, and South Asian populations. The p.Ala2325= variant is not expected to have clinical significance because it does not result in a change of amino acid. The c.6975G>C variant occurs in the last base of the exon; this position has been shown to be part of the splicing consensus sequence and variants involving this position sometimes affect splicing. However, only 1 of 5 in silico or computational prediction software programs (SpliceSiteFinder, MaxEntScan, NNSPLICE, GeneSplicer, HumanSpliceFinder) predict a greater than 10% difference in splicing. This information is not predictive enough to assume pathogenicity. In summary, based on the above information the clinical significance of this variant cannot be determined with certainty at this time. This variant is classified as a variant of uncertain significance.

Literature cited by the submitters: PubMed 32885271 (cited by 4 submitters); PubMed 17576681 (cited by Labcorp Genetics (formerly Invitae), Labcorp); PubMed 9536098 (cited by Labcorp Genetics (formerly Invitae), Labcorp); PubMed 28779002 (cited by 3 submitters); PubMed 35402282 (cited by Color Diagnostics, LLC DBA Color Health); PubMed 25186949 (cited by Women's Health and Genetics/Laboratory Corporation of America, LabCorp).